The following is an entry in ClinVar:

NM_001206999.2(CIT):c.67C>T (p.Arg23Trp)

Gene: CIT (citron rho-interacting serine/threonine kinase; minus strand). Cytogenetic location: 12q24.23.
Variant type: single nucleotide variant.
Coding change: c.67C>T on transcript NM_001206999.2 (MANE Select); coding-DNA position 67, C replaced by T.
Protein change: p.Arg23Trp; replaces arginine 23 with tryptophan.
Molecular consequence: missense variant.
Genome position (GRCh38, 1-based): chr12:119,876,102, G>A on the plus strand (C>T on the coding strand, the complement: CIT is on the minus strand). VCF-style: chr12-119876102-G-A. GRCh37 (hg19) VCF-style: chr12-120313906-G-A.
Other names: c.67C>T, p.Arg23Trp (NM_007174.3); short protein forms R23W.
Identifiers: ClinVar variation 423177 (VCV000423177.5), dbSNP rs372379880, ClinGen allele CA6822531.
Genomic context (GRCh38, chr12:119,876,102, plus strand): 5'-GGTGAGCAAAGTTGGCAGGGTAGGCTGTTACCTGGAAGAACAGATTCAGCCTGGAGGCCC[G>A]GCTGGCAATGGGTTCAGCAGCACCAGCATCCAAAGGATTCCGCGCTCCATATTTGAACTT-3'
Protein context (NP_001193928.1, residues 13-33): DAGAAEPIAS[Arg23Trp]ASRLNLFFQG

ClinVar aggregate classification (germline): Uncertain significance. Review status: criteria provided, multiple submitters, no conflicts (2 of 4 stars). 2 submissions from 2 submitters: Uncertain significance (2). Last evaluated 2017-01-24.

Conditions:
Microcephaly 17, primary, autosomal recessive (MCPH17). Identifiers: Orphanet 2512, MedGen C4310723, MONDO:0014908, OMIM 617090.

Allele frequency attached by ClinVar (database versions not stated): ExAC 0.00002; gnomAD exomes 0.00002 and 0.00001; TOPMed 0.00002; gnomAD 0.00001; ESP Exome Variant Server 0.00008.

Submissions (2):

GeneDx
Classification: Uncertain significance. Last evaluated: 2017-01-24. Review status: criteria provided, single submitter. Criteria: GeneDx Variant Classification (06012015). Collection method: clinical testing. Allele origin: germline. Affected: yes.
Comment: The R23W variant in the CIT gene has not been reported previously as a pathogenic variant, nor as a benign variant, to our knowledge. The R23W variant was not observed with any significant frequency in approximately 6500 individuals of European and African American ancestry in the NHLBI Exome Sequencing Project, indicating it is not a common benign variant in these populations. The R23W variant is a non-conservative amino acid substitution, which is likely to impact secondary protein structure as these residues differ in polarity, charge, size and/or other properties. This substitution occurs at a position that is conserved across species. In silico analysis predicts this variant is probably damaging to the protein structure/function. We interpret R23W as a variant of uncertain significance.

Department of Medical Genetics, Sanjay Gandhi Post Graduate Institute of Medical Sciences
Classification: Uncertain significance for Microcephaly 17, primary, autosomal recessive. Review status: criteria provided, single submitter. Criteria: ACMG Guidelines, 2015. Collection method: research. Allele origin: germline. Inheritance: Autosomal recessive inheritance. Affected: yes.